The following is an entry in ClinVar:

NM_001256789.3(CACNA1F):c.5232-3C>T

Gene: CACNA1F (calcium voltage-gated channel subunit alpha1 F; minus strand). Cytogenetic location: Xp11.23.
Variant type: single nucleotide variant.
Coding change: c.5232-3C>T on transcript NM_001256789.3 (MANE Select); 3 bases into the intron before coding-DNA position 5232, C replaced by T.
Molecular consequence: intron variant.
Genome position (GRCh38, 1-based): chrX:49,206,858, G>A on the plus strand (C>T on the coding strand, the complement: CACNA1F is on the minus strand). VCF-style: chrX-49206858-G-A. GRCh37 (hg19) VCF-style: chrX-49063319-G-A.
Other names: c.5265-3C>T (NM_005183.4); c.5070-3C>T (NM_001256790.3).
Identifiers: ClinVar variation 1446523 (VCV001446523.8), dbSNP rs369747505, ClinGen allele CA329136049.

ClinVar aggregate classification (germline): Uncertain significance (1 of 4 stars; one submission).

Allele frequency attached by ClinVar (database versions not stated): ESP Exome Variant Server 0.00009; gnomAD exomes 0.00001; gnomAD 0.00004 and 0.00005; TOPMed 0.00004.
gnomAD v4.1: 10 of 1,200,110 alleles (0.00083%); highest among the groups gnomAD compares: African/African-American, 0.007%; no homozygotes.

Submission:

Labcorp Genetics (formerly Invitae), Labcorp
Classification: Uncertain significance. Last evaluated: 2025-02-16. Review status: criteria provided, single submitter. Criteria: Invitae Variant Classification Sherloc (09022015). Collection method: clinical testing. Allele origin: germline.
Comment: This sequence change falls in intron 44 of the CACNA1F gene. It does not directly change the encoded amino acid sequence of the CACNA1F protein. It affects a nucleotide within the consensus splice site. This variant is not present in population databases (gnomAD no frequency). This variant has not been reported in the literature in individuals affected with CACNA1F-related conditions. ClinVar contains an entry for this variant (Variation ID: 1446523). Variants that disrupt the consensus splice site are a relatively common cause of aberrant splicing (PMID: 17576681, 9536098). Algorithms developed to predict the effect of sequence changes on RNA splicing suggest that this variant may disrupt the consensus splice site. In summary, the available evidence is currently insufficient to determine the role of this variant in disease. Therefore, it has been classified as a Variant of Uncertain Significance.

Literature cited by the submitters: PubMed 17576681; PubMed 9536098.